The following is an entry in ClinVar:

NM_003937.3(KYNU):c.967del (p.Ile323fs)

Gene: KYNU (kynureninase; plus strand). Cytogenetic location: 2q22.2.
Variant type: Deletion.
Coding change: c.967del on transcript NM_003937.3 (MANE Select); coding-DNA position 967, one base deleted (A; older notation c.967delA).
Protein change: p.Ile323fs; shifts the reading frame from isoleucine 323.
Molecular consequence: frameshift variant.
Genome position (GRCh38, 1-based): chr2:143,033,247, A deleted; the last of 2 consecutive A bases (chr2:143,033,246-143,033,247); deleting either gives the same sequence. VCF-style (leftmost placement, unchanged base first): chr2-143033245-TA-T. GRCh37 (hg19) VCF-style: chr2-143790814-TA-T.
Other names: c.967del, p.Ile323fs (NM_001199241.2); c.967delA (NM_003937.2); short protein forms I323fs.
Identifiers: ClinVar variation 2198678 (VCV002198678.2), dbSNP rs2468009874, ClinGen allele CA2577153227.

ClinVar aggregate classification (germline): Pathogenic/Likely pathogenic. Review status: criteria provided, multiple submitters, no conflicts (2 of 4 stars). 2 submissions from 2 submitters: Pathogenic (1); Likely pathogenic (1). Last evaluated 2026-08-19.

Conditions:
KYNU-related disorder. Also called: KYNU-related condition; KYNU-related disorders.

Submissions (2):

PreventionGenetics, part of Exact Sciences
Classification: Likely pathogenic for KYNU-related condition. Last evaluated: 2026-08-19. Review status: criteria provided, single submitter. Criteria: ACMG Guidelines, 2015. Collection method: clinical testing. Allele origin: germline.
Comment: The KYNU c.967delA variant is predicted to result in a frameshift and premature protein termination (p.Ile323Serfs*24). To our knowledge, this variant has not been reported in the literature or a large population database (gnomAD), indicating this variant is rare. Frameshift variants in KYNU are expected to be pathogenic. This variant is interpreted as likely pathogenic.

Labcorp Genetics (formerly Invitae), Labcorp
Classification: Pathogenic. Last evaluated: 2022-06-30. Review status: criteria provided, single submitter. Criteria: Invitae Variant Classification Sherloc (09022015). Collection method: clinical testing. Allele origin: germline.
Comment: This sequence change creates a premature translational stop signal (p.Ile323Serfs*24) in the KYNU gene. It is expected to result in an absent or disrupted protein product. Loss-of-function variants in KYNU are known to be pathogenic (PMID: 17334708, 28792876, 31923704, 34200361). This variant is not present in population databases (gnomAD no frequency). This variant has not been reported in the literature in individuals affected with KYNU-related conditions. For these reasons, this variant has been classified as Pathogenic.

Literature cited by the submitters: PubMed 17334708 (cited by Labcorp Genetics (formerly Invitae), Labcorp); PubMed 28792876 (cited by Labcorp Genetics (formerly Invitae), Labcorp); PubMed 31923704 (cited by Labcorp Genetics (formerly Invitae), Labcorp); PubMed 34200361 (cited by Labcorp Genetics (formerly Invitae), Labcorp).